The following is an entry in ClinVar:

NM_001365088.1(SLC12A6):c.2T>C (p.Met1Thr)

Gene: SLC12A6 (solute carrier family 12 member 6; minus strand). Cytogenetic location: 15q14.
Variant type: single nucleotide variant.
Coding change: c.2T>C on transcript NM_001365088.1 (MANE Select); coding-DNA position 2, T replaced by C.
Protein change: p.Met1Thr; changes the start codon (methionine 1).
Molecular consequence: missense variant, initiator codon variant. On other transcripts: intron variant (3).
Genome position (GRCh38, 1-based): chr15:34,336,679, A>G on the plus strand (T>C on the coding strand, the complement: SLC12A6 is on the minus strand). VCF-style: chr15-34336679-A-G. GRCh37 (hg19) VCF-style: chr15-34628880-A-G.
Other names: c.2T>C, p.Met1Thr (NM_001042497.2, NM_133647.2); c.-98-78T>C (NM_001042495.2, NM_001042494.2); c.-14-12T>C (NM_001042496.2); short protein forms M1T.
Identifiers: ClinVar variation 1722477 (VCV001722477.3), dbSNP rs772120996, ClinGen allele CA7464734.
Genomic context (GRCh38, chr15:34,336,679, plus strand): 5'-TTTGTCGGTGTCACCATGAACCGAACTGAAGCCATCTTGGTGGTGGTTTCTGGAGGATGC[A>G]TTTTGTTCTTTTTAAGAACAAAAAAAGTGGGGGGAACCTCGCAAAATCTTCCTCTTACGC-3'
Protein context (NP_001352017.1, residues 1-11): [Met1Thr]HPPETTTKMA

ClinVar aggregate classification (germline): Uncertain significance. Review status: criteria provided, single submitter (1 of 4 stars). 2 submissions from 2 submitters: Uncertain significance (1). 1 of the submissions does not count toward it. Last evaluated 2022-09-28.

Conditions:
Agenesis of the corpus callosum with peripheral neuropathy (ACCPN). Also called: CHARLEVOIX DISEASE; POLYNEUROPATHY, SENSORIMOTOR, WITH OR WITHOUT AGENESIS OF THE CORPUS CALLOSUM; HMSN/ACC; Hereditary Motor and Sensory Neuropathy with Agenesis of the Corpus Callosum. Identifiers: Orphanet 1496, MedGen C0795950, MONDO:0000902, OMIM 218000. Disease mechanism: loss of function.

Allele frequency attached by ClinVar (database versions not stated): gnomAD exomes below 0.00001; ExAC 0.00001.

Submissions (2):

Women's Health and Genetics/Laboratory Corporation of America, LabCorp
Classification: Uncertain significance. Last evaluated: 2022-09-28. Review status: criteria provided, single submitter. Criteria: LabCorp Variant Classification Summary - May 2015. Collection method: clinical testing. Allele origin: germline.
Comment: Variant summary: SLC12A6 c.2T>C (p.Met1Thr) alters the initiation codon and is predicted to result either in absence of the protein or truncation of the encoded protein due to translation initiation at a downstream codon (Met10). No truncation variant has been reported between Met1 and Met10. The variant allele was found at a frequency of 4e-06 in 249344 control chromosomes. The available data on variant occurrences in the general population are insufficient to allow any conclusion about variant significance. To our knowledge, no occurrence of c.2T>C in individuals affected with Andermann Syndrome and no experimental evidence demonstrating its impact on protein function have been reported. No clinical diagnostic laboratories have submitted clinical-significance assessments for this variant to ClinVar after 2014. Based on the evidence outlined above, the variant was classified as uncertain significance.

Natera, Inc.
Classification: Uncertain significance for Andermann syndrome. Last evaluated: 2025-01-17. Review status: no assertion criteria provided. Collection method: clinical testing. Allele origin: germline. Not counted in ClinVar's aggregate classification.